The following is an entry in ClinVar:

NM_001101426.4(CRPPA):c.*3374C>T

Gene: CRPPA (CDP-L-ribitol pyrophosphorylase A; minus strand). Cytogenetic location: 7p21.2.
Variant type: single nucleotide variant.
Coding change: c.*3374C>T on transcript NM_001101426.4 (MANE Select); 3374 bases downstream of the stop codon, C replaced by T.
Molecular consequence: 3 prime UTR variant. On other transcripts: non-coding transcript variant (1).
Genome position (GRCh38, 1-based): chr7:16,088,321, G>A on the plus strand (C>T on the coding strand, the complement: CRPPA is on the minus strand). VCF-style: chr7-16088321-G-A. GRCh37 (hg19) VCF-style: chr7-16127946-G-A.
Other names: c.*3374C>T (NM_001101417.4, NM_001368197.1).
Identifiers: ClinVar variation 908676 (VCV000908676.4), dbSNP rs141198656, ClinGen allele CA154724150.

ClinVar aggregate classification (germline): Likely benign (1 of 4 stars; one submission).

Conditions:
Congenital Muscular Dystrophy, alpha-dystroglycan related.

Allele frequency attached by ClinVar (database versions not stated): gnomAD 0.00646 and 0.00685; 1000 Genomes Project 0.00679; 1000 Genomes Project 30x 0.00703; TOPMed 0.00743.

Submission:

Illumina Laboratory Services, Illumina
Classification: Likely benign for Congenital Muscular Dystrophy, alpha-dystroglycan related. Last evaluated: 2018-01-12. Review status: criteria provided, single submitter. Criteria: ICSL Variant Classification Criteria 13 December 2019. Collection method: clinical testing. Allele origin: germline.
Comment: This variant was observed in the ICSL laboratory as part of a predisposition screen in an ostensibly healthy population. It had not been previously curated by ICSL or reported in the Human Gene Mutation Database (HGMD: prior to June 1st, 2018), and was therefore a candidate for classification through an automated scoring system. Utilizing variant allele frequency, disease prevalence and penetrance estimates, and inheritance mode, an automated score was calculated to assess if this variant is too frequent to cause the disease. Based on the score and internal cut-off values, a variant classified as likely benign is not then subjected to further curation. The score for this variant resulted in a classification of likely benign for this disease.